The following is an entry in ClinVar:

ClinVar aggregate classification (germline): Uncertain significance (1 of 4 stars; one submission).

Conditions:
Autosomal recessive severe congenital neutropenia due to CSF3R deficiency. Also called: Neutropenia, severe congenital, 7, autosomal recessive. Identifiers: Orphanet 420702, MedGen C4310764, MONDO:0014865, OMIM 617014.

Allele frequency attached by ClinVar (database versions not stated): gnomAD exomes below 0.00001; TOPMed below 0.00001; ExAC 0.00001.
gnomAD v4.1: 2 of 1,614,170 alleles (0.00012%); highest among the groups gnomAD compares: Admixed American, 0.0017%; no homozygotes.

Submission:

Labcorp Genetics (formerly Invitae), Labcorp
Classification: Uncertain significance for Autosomal recessive severe congenital neutropenia due to CSF3R deficiency. Last evaluated: 2025-06-12. Review status: criteria provided, single submitter. Criteria: Invitae Variant Classification Sherloc (09022015). Collection method: clinical testing. Allele origin: germline.
Comment: This sequence change replaces arginine, which is basic and polar, with histidine, which is basic and polar, at codon 269 of the CSF3R protein (p.Arg269His). This variant is not present in population databases (gnomAD no frequency). This variant has not been reported in the literature in individuals affected with CSF3R-related conditions. ClinVar contains an entry for this variant (Variation ID: 1955828). Invitae Evidence Modeling of protein sequence and biophysical properties (such as structural, functional, and spatial information, amino acid conservation, physicochemical variation, residue mobility, and thermodynamic stability) indicates that this missense variant is expected to disrupt CSF3R protein function with a positive predictive value of 80%. In summary, the available evidence is currently insufficient to determine the role of this variant in disease. Therefore, it has been classified as a Variant of Uncertain Significance.

NM_000760.4(CSF3R):c.806G>A (p.Arg269His)

Gene: CSF3R (colony stimulating factor 3 receptor; minus strand). Cytogenetic location: 1p34.3.
Variant type: single nucleotide variant.
Coding change: c.806G>A on transcript NM_000760.4 (MANE Select); coding-DNA position 806, G replaced by A.
Protein change: p.Arg269His; replaces arginine 269 with histidine.
Molecular consequence: missense variant.
Genome position (GRCh38, 1-based): chr1:36,472,554, C>T on the plus strand (G>A on the coding strand, the complement: CSF3R is on the minus strand). VCF-style: chr1-36472554-C-T. GRCh37 (hg19) VCF-style: chr1-36938155-C-T.
Other names: c.806G>A, p.Arg269His (NM_156039.3, NM_172313.3); short protein forms R269H.
Identifiers: ClinVar variation 1955828 (VCV001955828.5), dbSNP rs765312095, ClinGen allele CA769384.